The following is an entry in ClinVar:

NM_001330723.2(SNX27):c.731A>G (p.Glu244Gly)

Gene: SNX27 (sorting nexin 27; plus strand). Cytogenetic location: 1q21.3.
Variant type: single nucleotide variant.
Coding change: c.731A>G on transcript NM_001330723.2 (MANE Select); coding-DNA position 731, A replaced by G.
Protein change: p.Glu244Gly; replaces glutamic acid 244 with glycine.
Molecular consequence: missense variant.
Genome position (GRCh38, 1-based): chr1:151,658,422, A>G. VCF-style: chr1-151658422-A-G. GRCh37 (hg19) VCF-style: chr1-151630898-A-G.
Other names: c.731A>G, p.Glu244Gly (NM_030918.6); short protein forms E244G.
Identifiers: ClinVar variation 1043180 (VCV001043180.11), dbSNP rs745573692, ClinGen allele CA341959557.

ClinVar aggregate classification (germline): Uncertain significance (1 of 4 stars; one submission).

Conditions:
Severe myoclonic epilepsy in infancy (DRVT). Also called: DEVELOPMENTAL AND EPILEPTIC ENCEPHALOPATHY 6A; Severe Myoclonic Epilepsy in Infancy (SMEI); Epileptic encephalopathy, early infantile, 6 (Dravet syndrome); Dravet syndrome; SEVERE MYOCLONIC EPILEPSY OF INFANCY. Identifiers: Orphanet 33069, MedGen C0751122, MONDO:0100135, OMIM 607208.

Allele frequency attached by ClinVar (database versions not stated): TOPMed below 0.00001; gnomAD 0.00001.
gnomAD v4.1: 4 of 1,613,210 alleles (0.00025%); highest among the groups gnomAD compares: Non-Finnish European, 0.00034%; no homozygotes.

Submission:

Labcorp Genetics (formerly Invitae), Labcorp
Classification: Uncertain significance for Severe myoclonic epilepsy in infancy. Last evaluated: 2020-02-02. Review status: criteria provided, single submitter. Criteria: Invitae Variant Classification Sherloc (09022015). Collection method: clinical testing. Allele origin: germline.
Comment: Algorithms developed to predict the effect of missense changes on protein structure and function (SIFT, PolyPhen-2, Align-GVGD) all suggest that this variant is likely to be disruptive, but these predictions have not been confirmed by published functional studies and their clinical significance is uncertain. This sequence change replaces glutamic acid with glycine at codon 244 of the SNX27 protein (p.Glu244Gly). The glutamic acid residue is highly conserved and there is a moderate physicochemical difference between glutamic acid and glycine. This variant is not present in population databases (ExAC no frequency). This variant has not been reported in the literature in individuals with SNX27-related conditions. In summary, the available evidence is currently insufficient to determine the role of this variant in disease. Therefore, it has been classified as a Variant of Uncertain Significance.